The following is an entry in ClinVar:

ClinVar aggregate classification (germline): Uncertain significance. Review status: criteria provided, multiple submitters, no conflicts (2 of 4 stars). 2 submissions from 2 submitters: Uncertain significance (2). Last evaluated 2025-04-21.

gnomAD v4.1: 35 of 1,559,586 alleles (0.0022%); highest among the groups gnomAD compares: African/African-American, 0.026%; no homozygotes.

Submissions (2):

Ambry Genetics
Classification: Uncertain significance. Last evaluated: 2025-04-21. Review status: criteria provided, single submitter. Criteria: Ambry Variant Classification Scheme 2023. Collection method: clinical testing. Allele origin: germline.

Labcorp Genetics (formerly Invitae), Labcorp
Classification: Uncertain significance. Last evaluated: 2024-11-08. Review status: criteria provided, single submitter. Criteria: Invitae Variant Classification Sherloc (09022015). Collection method: clinical testing. Allele origin: germline.
Comment: This sequence change replaces tryptophan, which is neutral and slightly polar, with glycine, which is neutral and non-polar, at codon 8 of the DSTYK protein (p.Trp8Gly). This variant is present in population databases (rs761207358, gnomAD 0.02%). This variant has not been reported in the literature in individuals affected with DSTYK-related conditions. ClinVar contains an entry for this variant (Variation ID: 2383659). An algorithm developed to predict the effect of missense changes on protein structure and function (PolyPhen-2) suggests that this variant is likely to be disruptive. In summary, the available evidence is currently insufficient to determine the role of this variant in disease. Therefore, it has been classified as a Variant of Uncertain Significance.

NM_015375.3(DSTYK):c.22T>G (p.Trp8Gly)

Genes: DSTYK (dual serine/threonine and tyrosine protein kinase; minus strand), LOC129932301 (ATAC-STARR-seq lymphoblastoid silent region 1734; plus strand). Cytogenetic location: 1q32.1.
Variant type: single nucleotide variant.
Coding change: c.22T>G on transcript NM_015375.3 (MANE Select); coding-DNA position 22, T replaced by G.
Protein change: p.Trp8Gly; replaces tryptophan 8 with glycine.
Molecular consequence: missense variant.
Genome position (GRCh38, 1-based): chr1:205,211,514, A>C on the plus strand (T>G on the coding strand, the complement: DSTYK is on the minus strand). VCF-style: chr1-205211514-A-C. GRCh37 (hg19) VCF-style: chr1-205180642-A-C.
Other names: c.22T>G, p.Trp8Gly (NM_199462.3); short protein forms W8G.
Identifiers: ClinVar variation 2383659 (VCV002383659.5), dbSNP rs761207358, ClinGen allele CA1353160.